The following is an entry in ClinVar:

NC_000009.12:g.132944796_132944797dup

Gene: TSC1 (TSC complex subunit 1; minus strand). Cytogenetic location: 9q34.13.
Variant type: Duplication.
Genome position: GRCh38 VCF-style: chr9-132944795-A-AAG. GRCh37 (hg19) VCF-style: chr9-135820182-A-AAG.
Identifiers: ClinVar variation 4534382 (VCV004534382.6).
Genomic context (GRCh38, chr9:132,944,795, plus strand): 5'-CCCGCCGGAAGGAAGAGGCTCTTCCACTCATAACTGACGATGTGGGTTGGACGAGAAAAA[A>AAG]AGTAAGGAGGGTTTTTATGGAGGGGGGCGGGGCCGGGCGGAAGGATCCGAAAGGAGGCTG-3'

ClinVar aggregate classification (germline): Likely benign (1 of 4 stars; one submission).

Submission:

CeGaT Center for Human Genetics Tuebingen
Classification: Likely benign. Last evaluated: 2025-11-01. Review status: criteria provided, single submitter. Criteria: CeGaT Center For Human Genetics Tuebingen Variant Classification Criteria Version 2. Collection method: clinical testing. Allele origin: germline. Affected: yes. Observed: 1 variant allele.
Comment: TSC1: BS1